The following is an entry in ClinVar:

NM_032193.4(RNASEH2C):c.305C>T (p.Ser102Phe)

Gene: RNASEH2C (ribonuclease H2 subunit C; minus strand). Cytogenetic location: 11q13.1.
Variant type: single nucleotide variant.
Coding change: c.305C>T on transcript NM_032193.4 (MANE Select); coding-DNA position 305, C replaced by T.
Protein change: p.Ser102Phe; replaces serine 102 with phenylalanine.
Molecular consequence: missense variant.
Genome position (GRCh38, 1-based): chr11:65,720,285, G>A on the plus strand (C>T on the coding strand, the complement: RNASEH2C is on the minus strand). VCF-style: chr11-65720285-G-A. GRCh37 (hg19) VCF-style: chr11-65487756-G-A.
Other names: short protein forms S102F.
Identifiers: ClinVar variation 834397 (VCV000834397.9), dbSNP rs779295406, ClinGen allele CA6107744.

ClinVar aggregate classification (germline): Uncertain significance. Review status: criteria provided, multiple submitters, no conflicts (2 of 4 stars). 2 submissions from 2 submitters: Uncertain significance (2). Last evaluated 2024-10-23.

Conditions:
Aicardi-Goutieres syndrome 3. Identifiers: Orphanet 51, MedGen C1835916, MONDO:0012471, OMIM 610329.

Allele frequency attached by ClinVar (database versions not stated): gnomAD exomes 0.00002 and 0.00004; TOPMed 0.00003; ExAC 0.00006.

Submissions (2):

ARUP Laboratories, Molecular Genetics and Genomics, ARUP Laboratories
Classification: Uncertain significance for Aicardi-Goutieres syndrome 3. Last evaluated: 2024-10-23. Review status: criteria provided, single submitter. Criteria: ARUP Molecular Germline Variant Investigation Process 2024. Collection method: clinical testing. Allele origin: germline.
Comment: The RNASEH2C c.305C>T; p.Ser102Phe variant (rs779295406), to our knowledge, is not reported in the medical literature but is reported in ClinVar (Variation ID: 834397). This variant is found in the general population with an overall allele frequency of 0.004% (10/251492 alleles) in the Genome Aggregation Database (v2.1.1). Computational analyses are uncertain whether this variant is neutral or deleterious (REVEL: 0.282). Due to limited information, the clinical significance of this variant is uncertain at this time.

Labcorp Genetics (formerly Invitae), Labcorp
Classification: Uncertain significance for Aicardi-Goutieres syndrome 3. Last evaluated: 2022-08-21. Review status: criteria provided, single submitter. Criteria: Invitae Variant Classification Sherloc (09022015). Collection method: clinical testing. Allele origin: germline.
Comment: This sequence change replaces serine, which is neutral and polar, with phenylalanine, which is neutral and non-polar, at codon 102 of the RNASEH2C protein (p.Ser102Phe). This variant is present in population databases (rs779295406, gnomAD 0.02%). This variant has not been reported in the literature in individuals affected with RNASEH2C-related conditions. ClinVar contains an entry for this variant (Variation ID: 834397). Algorithms developed to predict the effect of missense changes on protein structure and function are either unavailable or do not agree on the potential impact of this missense change (SIFT: "Deleterious"; PolyPhen-2: "Possibly Damaging"; Align-GVGD: "Class C0"). In summary, the available evidence is currently insufficient to determine the role of this variant in disease. Therefore, it has been classified as a Variant of Uncertain Significance.